The following is an entry in ClinVar:

NM_004360.5(CDH1):c.1789C>T (p.Pro597Ser)

Gene: CDH1 (cadherin 1; plus strand). Cytogenetic location: 16q22.1.
Variant type: single nucleotide variant.
Coding change: c.1789C>T on transcript NM_004360.5 (MANE Select); coding-DNA position 1789, C replaced by T.
Protein change: p.Pro597Ser; replaces proline 597 with serine.
Molecular consequence: missense variant. On other transcripts: 5 prime UTR variant (1).
Genome position (GRCh38, 1-based): chr16:68,822,078, C>T. VCF-style: chr16-68822078-C-T. GRCh37 (hg19) VCF-style: chr16-68855981-C-T.
Other names: c.1789C>T (LRG_301t1); c.1606C>T, p.Pro536Ser (NM_001317184.2); c.241C>T, p.Pro81Ser (NM_001317185.2); c.-177C>T (NM_001317186.2); short protein forms P597S, P536S, P81S.
Identifiers: ClinVar variation 41784 (VCV000041784.12), dbSNP rs201625049, ClinGen allele CA215849.

ClinVar aggregate classification (germline): Conflicting classifications of pathogenicity. Review status: criteria provided, conflicting classifications (1 of 4 stars). 3 submissions from 3 submitters: Uncertain significance (1); Likely benign (1). 1 of the submissions does not count toward it. Last evaluated 2022-07-06.

Conditions:
Hereditary cancer-predisposing syndrome. Also called: Tumor predisposition; Neoplastic Syndromes, Hereditary; Hereditary neoplastic syndrome; Hereditary Cancer Syndrome. Identifiers: Orphanet 140162, MedGen C0027672, MeSH D009386, MONDO:0015356.
Hereditary diffuse gastric adenocarcinoma (HDGC). Also called: DIFFUSE GASTRIC AND LOBULAR BREAST CANCER SYNDROME. Identifiers: Orphanet 26106, MedGen C1708349, MONDO:0007648, OMIM 137215.

Submissions (3):

Labcorp Genetics (formerly Invitae), Labcorp
Classification: Uncertain significance for Hereditary diffuse gastric adenocarcinoma. Last evaluated: 2022-07-06. Review status: criteria provided, single submitter. Criteria: Invitae Variant Classification Sherloc (09022015). Collection method: clinical testing. Allele origin: germline.
Comment: This variant has not been reported in the literature in individuals affected with CDH1-related conditions. In summary, the available evidence is currently insufficient to determine the role of this variant in disease. Therefore, it has been classified as a Variant of Uncertain Significance. Algorithms developed to predict the effect of missense changes on protein structure and function output the following: SIFT: "Tolerated"; PolyPhen-2: "Benign"; Align-GVGD: "Class C0". The serine amino acid residue is found in multiple mammalian species, which suggests that this missense change does not adversely affect protein function. ClinVar contains an entry for this variant (Variation ID: 41784). This variant is not present in population databases (gnomAD no frequency). This sequence change replaces proline, which is neutral and non-polar, with serine, which is neutral and polar, at codon 597 of the CDH1 protein (p.Pro597Ser).

Ambry Genetics
Classification: Likely benign for Hereditary cancer-predisposing syndrome. Last evaluated: 2022-02-01. Review status: criteria provided, single submitter. Criteria: Ambry Variant Classification Scheme 2023. Collection method: clinical testing. Allele origin: germline.

Biesecker Lab/Clinical Genomics Section, National Institutes of Health
Classification: Uncertain significance. Last evaluated: 2012-07-13. Review status: no assertion criteria provided. Collection method: research. Allele origin: germline. Affected: no. Observed: 1 variant allele. Study: ClinSeq. Not counted in ClinVar's aggregate classification.
ClinVar note: Converted during submission from variant of unknown significance to Uncertain significance.